The following is an entry in ClinVar:

NM_000059.4(BRCA2):c.1841T>G (p.Ile614Ser)

Gene: BRCA2 (BRCA2 DNA repair associated; plus strand). Cytogenetic location: 13q13.1.
Variant type: single nucleotide variant.
Coding change: c.1841T>G on transcript NM_000059.4 (MANE Select); coding-DNA position 1841, T replaced by G.
Protein change: p.Ile614Ser; replaces isoleucine 614 with serine.
Molecular consequence: missense variant.
Genome position (GRCh38, 1-based): chr13:32,333,319, T>G. VCF-style: chr13-32333319-T-G. GRCh37 (hg19) VCF-style: chr13-32907456-T-G.
Other names: c.1841T>G, p.Ile614Ser (NM_001406719.1, NM_001406720.1, NM_001406721.1); short protein forms I614S.
Identifiers: ClinVar variation 1781176 (VCV001781176.4), dbSNP rs1566224476, ClinGen allele CA387766291.

ClinVar aggregate classification (germline): Conflicting classifications of pathogenicity. Review status: criteria provided, conflicting classifications (1 of 4 stars). 2 submissions from 2 submitters: Uncertain significance (1); Likely benign (1). Last evaluated 2023-03-23.

Conditions:
Hereditary cancer-predisposing syndrome. Also called: Neoplastic Syndromes, Hereditary; Tumor predisposition; Hereditary Cancer Syndrome; Hereditary neoplastic syndrome. Identifiers: Orphanet 140162, MedGen C0027672, MeSH D009386, MONDO:0015356.

Submissions (2):

University of Washington Department of Laboratory Medicine, University of Washington
Classification: Likely benign for Hereditary cancer-predisposing syndrome. Last evaluated: 2023-03-23. Review status: criteria provided, single submitter. Criteria: Dines et al. (Genet Med. 2020). Collection method: curation. Allele origin: germline.
Comment: Missense variant in a coldspot region where missense variants are very unlikely to be pathogenic (PMID:31911673).

BRCA2 exon 10 coldspot. Reclassification based on statistical prior probability.

Ambry Genetics
Classification: Uncertain significance for Hereditary cancer-predisposing syndrome. Last evaluated: 2021-06-14. Review status: criteria provided, single submitter. Criteria: Ambry Variant Classification Scheme 2023. Collection method: clinical testing. Allele origin: germline.
Comment: The p.I614S variant (also known as c.1841T>G), located in coding exon 9 of the BRCA2 gene, results from a T to G substitution at nucleotide position 1841. The isoleucine at codon 614 is replaced by serine, an amino acid with dissimilar properties. This amino acid position is poorly conserved in available vertebrate species. In addition, this alteration is predicted to be tolerated by in silico analysis. Since supporting evidence is limited at this time, the clinical significance of this alteration remains unclear.